The following is an entry in ClinVar:

ClinVar aggregate classification (germline): Uncertain significance (1 of 4 stars; one submission).

Conditions:
Familial hyperparathyroidism or Hypocalciuric hypercalcaemia.

Submission:

Cambridge Genomics Laboratory, East Genomic Laboratory Hub, NHS Genomic Medicine Service
Classification: Uncertain significance for Familial hyperparathyroidism or Hypocalciuric hypercalcaemia. Last evaluated: 2026-01-08. Review status: criteria provided, single submitter. Criteria: ACGS Best Practice Guidelines for Variant Classification in Rare Disease 2020. Collection method: clinical testing. Allele origin: germline. Affected: yes.
Comment: PM2,PM5_Supporting,PP2

NM_000388.4(CASR):c.475C>A (p.Leu159Ile)

Gene: CASR (calcium sensing receptor; plus strand). Cytogenetic location: 3q21.1.
Variant type: single nucleotide variant.
Coding change: c.475C>A on transcript NM_000388.4 (MANE Select); coding-DNA position 475, C replaced by A.
Protein change: p.Leu159Ile; replaces leucine 159 with isoleucine.
Molecular consequence: missense variant.
Genome position (GRCh38, 1-based): chr3:122,257,370, C>A. VCF-style: chr3-122257370-C-A. GRCh37 (hg19) VCF-style: chr3-121976217-C-A.
Other names: c.475C>A, p.Leu159Ile (NM_001178065.2); short protein forms L159I.
Identifiers: ClinVar variation 4795980 (VCV004795980.1).
Genomic context (GRCh38, chr3:122,257,370, plus strand): 5'-ATTGCTGTGGTGGGAGCAACTGGCTCAGGCGTCTCCACGGCAGTGGCAAATCTGCTGGGG[C>A]TCTTCTACATTCCCCAGGTACTCAAGCCTTCTCAGGCGGGGCACTGGGAGCAGGATCAGA-3'
Protein context (NP_000379.3, residues 149-169): VSTAVANLLG[Leu159Ile]FYIPQVSYAS